The following is an entry in ClinVar:

NM_001367721.1(CASK):c.430-1G>A

Gene: CASK (calcium/calmodulin dependent serine protein kinase; minus strand). Cytogenetic location: Xp11.4.
Variant type: single nucleotide variant.
Coding change: c.430-1G>A on transcript NM_001367721.1 (MANE Select); the canonical splice acceptor site of the intron before coding-DNA position 430, G replaced by A.
Molecular consequence: splice acceptor variant.
Genome position (GRCh38, 1-based): chrX:41,671,531, C>T on the plus strand (G>A on the coding strand, the complement: CASK is on the minus strand). VCF-style: chrX-41671531-C-T. GRCh37 (hg19) VCF-style: chrX-41530784-C-T.
Other names: c.430-1G>A (NM_001126055.3, NM_001410745.1, NM_001126054.3 and 1 more transcripts).
Identifiers: ClinVar variation 4723833 (VCV004723833.1).
Genomic context (GRCh38, chrX:41,671,531, plus strand): 5'-AAAGCCTCCAAGTTTAACAGGTGCCGAGTTTTCTTTTGAGGCAAGGAGAACACAGTGGGG[C>T]TGAAAAGAAAAACAGACGAACAAACAAACAAAAAACAAACCCGAAGATAAGGATTCATTG-3'

ClinVar aggregate classification (germline): Likely pathogenic (1 of 4 stars; one submission).

Conditions:
Intellectual disability, CASK-related, X-linked. Identifiers: MedGen CN043158.

Submission:

Labcorp Genetics (formerly Invitae), Labcorp
Classification: Likely pathogenic for Intellectual disability, CASK-related, X-linked. Last evaluated: 2025-07-23. Review status: criteria provided, single submitter. Criteria: Invitae Variant Classification Sherloc (09022015). Collection method: clinical testing. Allele origin: germline.
Comment: This sequence change affects an acceptor splice site in intron 5 of the CASK gene. It is expected to disrupt RNA splicing. Variants that disrupt the donor or acceptor splice site typically lead to a loss of protein function (PMID: 16199547), and loss-of-function variants in CASK are known to be pathogenic (PMID: 19165920, 20029458, 21954287, 22452838, 22709267). This variant is not present in population databases (gnomAD no frequency). This variant has not been reported in the literature in individuals affected with CASK-related conditions. Algorithms developed to predict the effect of sequence changes on RNA splicing suggest that this variant may disrupt the consensus splice site. In summary, the currently available evidence indicates that the variant is pathogenic, but additional data are needed to prove that conclusively. Therefore, this variant has been classified as Likely Pathogenic.

Literature cited by the submitters: PubMed 16199547; PubMed 19165920; PubMed 20029458; PubMed 21954287; PubMed 22452838; PubMed 22709267.